The following is an entry in ClinVar:

NM_000185.4(SERPIND1):c.231C>A (p.Asp77Glu)

Genes: PI4KA (phosphatidylinositol 4-kinase alpha; minus strand), SERPIND1 (serpin family D member 1; plus strand). Cytogenetic location: 22q11.21.
Variant type: single nucleotide variant.
Coding change: c.231C>A on transcript NM_000185.4 (MANE Select); coding-DNA position 231, C replaced by A.
Protein change: p.Asp77Glu; replaces aspartic acid 77 with glutamic acid.
Molecular consequence: missense variant. On other transcripts: intron variant (3).
Genome position (GRCh38, 1-based): chr22:20,779,543, C>A. VCF-style: chr22-20779543-C-A. GRCh37 (hg19) VCF-style: chr22-21133831-C-A.
Other names: p.Asp77Glu; c.2262+13650G>T (NM_001362863.2); c.2328+13650G>T (NM_001362862.2, NM_058004.4); short protein forms D77E.
Identifiers: ClinVar variation 788340 (VCV000788340.38), dbSNP rs5903, ClinGen allele CA10115836.

ClinVar aggregate classification (germline): Conflicting classifications of pathogenicity. Review status: criteria provided, conflicting classifications (1 of 4 stars). 5 submissions from 5 submitters: Uncertain significance (1); Benign (2); Likely benign (2). Last evaluated 2026-09-01.

Conditions:
Heparin cofactor II deficiency. Also called: THROMBOPHILIA DUE TO HEPARIN COFACTOR II DEFICIENCY; Heparin cofactor 2 deficiency; HCF II DEFICIENCY; HCF2 DEFICIENCY. Identifiers: MedGen C0398626, MONDO:0012876, OMIM 612356.
SERPIND1-related disorder. Also called: SERPIND1-related condition.

Allele frequency attached by ClinVar (database versions not stated): 1000 Genomes Project 0.00339; 1000 Genomes Project 30x 0.00344; ESP Exome Variant Server 0.00715; TOPMed 0.00768.
gnomAD v4.1: 15,244 of 1,613,960 alleles (0.94%); highest among the groups gnomAD compares: Non-Finnish European, 1.1%; 104 homozygotes.

Submissions (5):

CeGaT Center for Human Genetics Tuebingen
Classification: Benign. Last evaluated: 2026-09-01. Review status: criteria provided, single submitter. Criteria: CeGaT Center For Human Genetics Tuebingen Variant Classification Criteria Version 2. Collection method: clinical testing. Allele origin: germline. Affected: yes. Observed: 24 variant alleles.
Comment: PI4KA: BS1, BS2; SERPIND1: BP4, BS1, BS2

PreventionGenetics, part of Exact Sciences
Classification: Likely benign for SERPIND1-related condition. Last evaluated: 2025-06-18. Review status: criteria provided, single submitter. Criteria: ACMG Guidelines, 2015. Collection method: clinical testing. Allele origin: germline.
Comment: This variant is classified as likely benign based on ACMG/AMP sequence variant interpretation guidelines (Richards et al. 2015 PMID: 25741868, with internal and published modifications).

Mayo Clinic Laboratories, Mayo Clinic
Classification: Likely benign. Last evaluated: 2023-12-04. Review status: criteria provided, single submitter. Criteria: ACMG Guidelines, 2015. Collection method: clinical testing. Allele origin: germline. Observed: 2 variant alleles.
Comment: BS2, BP4, PM1_supporting

Labcorp Genetics (formerly Invitae), Labcorp
Classification: Benign. Last evaluated: 2019-12-31. Review status: criteria provided, single submitter. Criteria: Invitae Variant Classification Sherloc (09022015). Collection method: clinical testing. Allele origin: germline.

ISTH-SSC Genomics in Thrombosis and Hemostasis, KU Leuven, Center for Molecular and Vascular Biology
Classification: Uncertain significance for Heparin cofactor II deficiency. Review status: criteria provided, single submitter. Criteria: ACMG Guidelines, 2015. Collection method: clinical testing. Allele origin: unknown. Affected: yes.
Comment: Submitted to GoldVariant by Kathleen Freson, Center for Molecular and Vascular Biology, Leuven, Belgium

Literature cited by the submitters: PubMed 34355501 (cited by Mayo Clinic Laboratories, Mayo Clinic and ISTH-SSC Genomics in Thrombosis and Hemostasis, KU Leuven, Center for Molecular and Vascular Biology).